The following is an entry in ClinVar:

ClinVar aggregate classification (germline): Pathogenic (1 of 4 stars; one submission).

Submission:

Labcorp Genetics (formerly Invitae), Labcorp
Classification: Pathogenic. Last evaluated: 2022-07-05. Review status: criteria provided, single submitter. Criteria: Invitae Variant Classification Sherloc (09022015). Collection method: clinical testing. Allele origin: germline.
Comment: This sequence change creates a premature translational stop signal (p.Arg21Glufs*18) in the NDUFA12 gene. It is expected to result in an absent or disrupted protein product. Loss-of-function variants in NDUFA12 are known to be pathogenic (PMID: 21617257, 28454995). This variant is present in population databases (rs748012743, gnomAD 0.006%). This variant has not been reported in the literature in individuals affected with NDUFA12-related conditions. For these reasons, this variant has been classified as Pathogenic.

Literature cited by the submitters: PubMed 21617257; PubMed 28454995.

NM_018838.5(NDUFA12):c.61del (p.Arg21fs)

Gene: NDUFA12 (NADH:ubiquinone oxidoreductase subunit A12; minus strand). Cytogenetic location: 12q22.
Variant type: Deletion.
Coding change: c.61del on transcript NM_018838.5 (MANE Select); coding-DNA position 61, one base deleted (C; older notation c.61delC).
Protein change: p.Arg21fs; shifts the reading frame from arginine 21.
Molecular consequence: frameshift variant.
Genome position (GRCh38, 1-based): chr12:95,003,620, G deleted on the plus strand (C on the coding strand, the reverse complement: NDUFA12 is on the minus strand); the first of 2 consecutive G bases (chr12:95,003,620-95,003,621); deleting either gives the same sequence. VCF-style (leftmost placement, unchanged base first): chr12-95003619-CG-C. GRCh37 (hg19) VCF-style: chr12-95397395-CG-C.
Other names: c.61del, p.Arg21fs (NM_001258338.2); short protein forms R21fs.
Identifiers: ClinVar variation 2156716 (VCV002156716.1), dbSNP rs748012743, ClinGen allele CA6722651.
Genomic context (GRCh38, chr12:95,003,619, plus strand): 5'-GCCCCAGAGGCCAAGAGCATGGCTCTGGCCGCCTACCTGAAAAAAACCCGTAGATAGCCT[CG>C]GAGACCGCCGTGGCCGGTGATCTGCTGCAGCCCGCGTTTCAGGACCTGCACTAACTCCAT-3'